The following is an entry in ClinVar:

NM_000238.4(KCNH2):c.2902C>G (p.Pro968Ala)

Gene: KCNH2 (potassium voltage-gated channel subfamily H member 2; minus strand). Cytogenetic location: 7q36.1.
Variant type: single nucleotide variant.
Coding change: c.2902C>G on transcript NM_000238.4 (MANE Select); coding-DNA position 2902, C replaced by G.
Protein change: p.Pro968Ala; replaces proline 968 with alanine.
Molecular consequence: missense variant.
Genome position (GRCh38, 1-based): chr7:150,947,669, G>C on the plus strand (C>G on the coding strand, the complement: KCNH2 is on the minus strand). VCF-style: chr7-150947669-G-C. GRCh37 (hg19) VCF-style: chr7-150644757-G-C.
Other names: c.1882C>G, p.Pro628Ala (NM_172057.3); short protein forms P628A, P968A.
Identifiers: ClinVar variation 237298 (VCV000237298.23), dbSNP rs753788508, ClinGen allele CA035405.
Genomic context (GRCh38, chr7:150,947,669, plus strand): 5'-ACAGGGGGTTGCAAGTGTCGCTGCTCTTCTCGCAGTCCTCCATCAGGGGCTCCCCACCCG[G>C]CGGCTCTCCGGGGGGCCTGGGGCTGGAGAAGGGCACCAGGCGGAGGGGGCTGGAGCTGCG-3'
Protein context (NP_000229.1, residues 958-978): FSSPRPPGEP[Pro968Ala]GGEPLMEDCE

ClinVar aggregate classification (germline): Uncertain significance. Review status: criteria provided, multiple submitters, no conflicts (2 of 4 stars). 7 submissions from 7 submitters: Uncertain significance (7). Last evaluated 2025-08-17.

Conditions:
Cardiovascular phenotype. Identifiers: MedGen CN230736.
Cardiac arrhythmia. Also called: Cardiac rhythm disease; Arrhythmia. Identifiers: MedGen C0003811, MONDO:0007263, HP:0011675.
Long QT syndrome 2 (LQT2). Identifiers: Orphanet 101016, Orphanet 768, MedGen C3150943, MONDO:0013367, OMIM 613688.
Short QT syndrome type 1. Identifiers: Orphanet 51083, MedGen C1865020, MONDO:0012312, OMIM 609620.
Long QT syndrome (LQTS). Identifiers: MedGen C0023976, MeSH D008133, MONDO:0002442. Disease mechanism: loss of function. Inheritance: Various modes of inheritance.

Allele frequency attached by ClinVar (database versions not stated): ExAC 0.00001; gnomAD exomes 0.00001; gnomAD 0.00002 and 0.00003; TOPMed 0.00002.
gnomAD v4.1: 77 of 1,607,464 alleles (0.0048%); highest among the groups gnomAD compares: Non-Finnish European, 0.0062%; no homozygotes.

Submissions (7):

Labcorp Genetics (formerly Invitae), Labcorp
Classification: Uncertain significance for Long QT syndrome. Last evaluated: 2025-08-17. Review status: criteria provided, single submitter. Criteria: Invitae Variant Classification Sherloc (09022015). Collection method: clinical testing. Allele origin: germline.
Comment: This sequence change replaces proline, which is neutral and non-polar, with alanine, which is neutral and non-polar, at codon 968 of the KCNH2 protein (p.Pro968Ala). This variant is present in population databases (rs753788508, gnomAD 0.008%). This missense change has been observed in individual(s) with clinical features of KCNH2-related conditions (internal data). ClinVar contains an entry for this variant (Variation ID: 237298). An algorithm developed to predict the effect of missense changes on protein structure and function (PolyPhen-2) suggests that this variant is likely to be tolerated. In summary, the available evidence is currently insufficient to determine the role of this variant in disease. Therefore, it has been classified as a Variant of Uncertain Significance.

Women's Health and Genetics/Laboratory Corporation of America, LabCorp
Classification: Uncertain significance. Last evaluated: 2025-06-13. Review status: criteria provided, single submitter. Criteria: LabCorp Variant Classification Summary - May 2015. Collection method: clinical testing. Allele origin: germline.
Comment: Variant summary: KCNH2 c.2902C>G (p.Pro968Ala) results in a non-conservative amino acid change in the encoded protein sequence. Algorithms developed to predict the effect of missense changes on protein structure and function are either unavailable or do not agree on the potential impact of this missense change. The variant allele was found at a frequency of 8.7e-06 in 230786 control chromosomes. The available data on variant occurrences in the general population are insufficient to allow any conclusion about variant significance. To our knowledge, no occurrence of c.2902C>G in individuals affected with Arrhythmia and no experimental evidence demonstrating its impact on protein function have been reported. ClinVar contains an entry for this variant (Variation ID: 237298). Based on the evidence outlined above, the variant was classified as uncertain significance.

All of Us Research Program, National Institutes of Health
Classification: Uncertain significance for Long QT syndrome. Last evaluated: 2024-09-23. Review status: criteria provided, single submitter. Criteria: ACMG Guidelines, 2015. Collection method: clinical testing. Allele origin: germline. Inheritance: Autosomal dominant inheritance. Observed: 7 variant alleles, 7 heterozygotes.
Comment: This missense variant replaces proline with alanine at codon 968 of the KCNH2 protein. Computational prediction suggests that this variant may not impact protein structure and function (internally defined REVEL score threshold <= 0.5, PMID: 27666373). To our knowledge, functional studies have not been reported for this variant. This variant has not been reported in individuals affected with cardiovascular disorders in the literature. This variant has been identified in 2/230786 chromosomes in the general population by the Genome Aggregation Database (gnomAD). The available evidence is insufficient to determine the role of this variant in disease conclusively. Therefore, this variant is classified as a Variant of Uncertain Significance.

This study involves interpretation of variants in research participants for the purpose of population health screening. Participant phenotype was not available at the time of variant classification. Additional details can be found in publication PMID: 35346344, PMCID: PMC8962531

Color Diagnostics, LLC DBA Color Health
Classification: Uncertain significance for Cardiac arrhythmia. Last evaluated: 2024-03-06. Review status: criteria provided, single submitter. Criteria: ACMG Guidelines, 2015. Collection method: clinical testing. Allele origin: germline.
Comment: This missense variant replaces proline with alanine at codon 968 of the KCNH2 protein. Computational prediction suggests that this variant may not impact protein structure and function (internally defined REVEL score threshold <= 0.5, PMID: 27666373). To our knowledge, functional studies have not been reported for this variant. This variant has not been reported in individuals affected with cardiovascular disorders in the literature. This variant has been identified in 2/230786 chromosomes in the general population by the Genome Aggregation Database (gnomAD). The available evidence is insufficient to determine the role of this variant in disease conclusively. Therefore, this variant is classified as a Variant of Uncertain Significance.

Ambry Genetics
Classification: Uncertain significance for Cardiovascular phenotype. Last evaluated: 2023-06-16. Review status: criteria provided, single submitter. Criteria: Ambry Variant Classification Scheme 2023. Collection method: clinical testing. Allele origin: germline.
Comment: The p.P968A variant (also known as c.2902C>G), located in coding exon 12 of the KCNH2 gene, results from a C to G substitution at nucleotide position 2902. The proline at codon 968 is replaced by alanine, an amino acid with highly similar properties. This amino acid position is not well conserved in available vertebrate species. In addition, the in silico prediction for this alteration is inconclusive. Since supporting evidence is limited at this time, the clinical significance of this alteration remains unclear.

Fulgent Genetics
Classification: Uncertain significance for Short QT syndrome type 1; Long QT syndrome 2. Last evaluated: 2021-09-30. Review status: criteria provided, single submitter. Criteria: ACMG Guidelines, 2015. Collection method: clinical testing. Allele origin: unknown.

Athena Diagnostics
Classification: Uncertain significance. Last evaluated: 2017-11-24. Review status: criteria provided, single submitter. Criteria: Athena Diagnostics Criteria. Collection method: clinical testing. Allele origin: germline.